The following is an entry in ClinVar:

NM_032444.4(SLX4):c.3444A>C (p.Glu1148Asp)

Gene: SLX4 (SLX4 structure-specific endonuclease subunit; minus strand). Cytogenetic location: 16p13.3.
Variant type: single nucleotide variant.
Coding change: c.3444A>C on transcript NM_032444.4 (MANE Select); coding-DNA position 3444, A replaced by C.
Protein change: p.Glu1148Asp; replaces glutamic acid 1148 with aspartic acid.
Molecular consequence: missense variant.
Genome position (GRCh38, 1-based): chr16:3,590,194, T>G on the plus strand (A>C on the coding strand, the complement: SLX4 is on the minus strand). VCF-style: chr16-3590194-T-G. GRCh37 (hg19) VCF-style: chr16-3640195-T-G.
Other names: short protein forms E1148D.
Identifiers: ClinVar variation 1059897 (VCV001059897.10), dbSNP rs771079071, ClinGen allele CA7865919.
Genomic context (GRCh38, chr16:3,590,194, plus strand): 5'-CATTTTGGTTTGTTCTAGCTCCAGCTCCTCATCCGAGTCCAGTAAGAGGATGACCTCATC[T>G]TCTTCGTTCAGTTTGGATGAAGATTTCTGAGATCTGGAGCTCGAATGGTCAGGATTTGAC-3'
Protein context (NP_115820.2, residues 1138-1158): SQKSSSKLNE[Glu1148Asp]DEVILLLDSD

ClinVar aggregate classification (germline): Conflicting classifications of pathogenicity. Review status: criteria provided, conflicting classifications (1 of 4 stars). 2 submissions from 2 submitters: Uncertain significance (1); Likely benign (1). Last evaluated 2024-06-27.

Conditions:
Fanconi anemia (FA). Also called: Fanconi's anemia. Identifiers: Orphanet 84, MedGen C0015625, MeSH D005199, MONDO:0019391.

Allele frequency attached by ClinVar (database versions not stated): gnomAD exomes below 0.00001; ExAC 0.00001.

Submissions (2):

Blueprint Genetics
Classification: Likely benign. Last evaluated: 2024-06-27. Review status: criteria provided, single submitter. Criteria: ACMG Guidelines, 2015. Collection method: clinical testing. Allele origin: germline.

Labcorp Genetics (formerly Invitae), Labcorp
Classification: Uncertain significance for Fanconi anemia. Last evaluated: 2021-04-14. Review status: criteria provided, single submitter. Criteria: Invitae Variant Classification Sherloc (09022015). Collection method: clinical testing. Allele origin: germline.
Comment: This sequence change replaces glutamic acid with aspartic acid at codon 1148 of the SLX4 protein (p.Glu1148Asp). The glutamic acid residue is moderately conserved and there is a small physicochemical difference between glutamic acid and aspartic acid. This variant is present in population databases (rs771079071, ExAC 0.001%). In summary, the available evidence is currently insufficient to determine the role of this variant in disease. Therefore, it has been classified as a Variant of Uncertain Significance. Algorithms developed to predict the effect of missense changes on protein structure and function output the following: SIFT: "Tolerated"; PolyPhen-2: "Benign"; Align-GVGD: "Class C0". The aspartic acid amino acid residue is found in multiple mammalian species, suggesting that this missense change does not adversely affect protein function. These predictions have not been confirmed by published functional studies and their clinical significance is uncertain. This variant has not been reported in the literature in individuals with SLX4-related conditions.